The following is an entry in ClinVar:

NM_020937.4(FANCM):c.3517G>A (p.Val1173Ile)

Gene: FANCM (FA complementation group M; plus strand). Cytogenetic location: 14q21.2.
Variant type: single nucleotide variant.
Coding change: c.3517G>A on transcript NM_020937.4 (MANE Select); coding-DNA position 3517, G replaced by A.
Protein change: p.Val1173Ile; replaces valine 1173 with isoleucine.
Molecular consequence: missense variant.
Genome position (GRCh38, 1-based): chr14:45,176,271, G>A. VCF-style: chr14-45176271-G-A. GRCh37 (hg19) VCF-style: chr14-45645474-G-A.
Other names: c.3517G>A (NM_020937.2); c.3439G>A, p.Val1147Ile (NM_001308133.2); short protein forms V1147I, V1173I.
Identifiers: ClinVar variation 1400630 (VCV001400630.9), dbSNP rs772176794, ClinGen allele CA389601876.
Genomic context (GRCh38, chr14:45,176,271, plus strand): 5'-AACAGTAAAAGCGAATCTTTACCTGTGTCAGACAAAACTGCTATTAGTGAAACGCCTCTG[G>A]TCTCTCAGTTCTTAATTTCTGATGAACTTTTGTTGGACAATAATTCTGAACTCCAAGATC-3'
Protein context (NP_065988.1, residues 1163-1183): DKTAISETPL[Val1173Ile]SQFLISDELL

ClinVar aggregate classification (germline): Uncertain significance. Review status: criteria provided, multiple submitters, no conflicts (2 of 4 stars). 2 submissions from 2 submitters: Uncertain significance (2). Last evaluated 2026-02-24.

Conditions:
Inborn genetic diseases. Identifiers: MedGen C0950123, MeSH D030342.
Fanconi anemia (FA). Also called: Fanconi's anemia. Identifiers: Orphanet 84, MedGen C0015625, MeSH D005199, MONDO:0019391.

Allele frequency attached by ClinVar (database versions not stated): gnomAD exomes below 0.00001.
gnomAD v4.1: 2 of 1,613,990 alleles (0.00012%); highest among the groups gnomAD compares: Non-Finnish European, 0.00017%; no homozygotes.

Submissions (2):

Ambry Genetics
Classification: Uncertain significance for Inborn genetic diseases. Last evaluated: 2026-02-24. Review status: criteria provided, single submitter. Criteria: Ambry Variant Classification Scheme 2023. Collection method: clinical testing. Allele origin: germline.
Comment: The p.V1173I variant (also known as c.3517G>A), located in coding exon 14 of the FANCM gene, results from a G to A substitution at nucleotide position 3517. The valine at codon 1173 is replaced by isoleucine, an amino acid with highly similar properties. This amino acid position is conserved. In addition, this alteration is predicted to be tolerated by in silico analysis. Based on the available evidence, the clinical significance of this variant remains unclear.

Labcorp Genetics (formerly Invitae), Labcorp
Classification: Uncertain significance for Fanconi anemia. Last evaluated: 2021-03-06. Review status: criteria provided, single submitter. Criteria: Invitae Variant Classification Sherloc (09022015). Collection method: clinical testing. Allele origin: germline.
Comment: Algorithms developed to predict the effect of missense changes on protein structure and function output the following: SIFT: "Tolerated"; PolyPhen-2: "Benign"; Align-GVGD: "Class C0". The isoleucine amino acid residue is found in multiple mammalian species, suggesting that this missense change does not adversely affect protein function. These predictions have not been confirmed by published functional studies and their clinical significance is uncertain. In summary, the available evidence is currently insufficient to determine the role of this variant in disease. Therefore, it has been classified as a Variant of Uncertain Significance. This variant has not been reported in the literature in individuals with FANCM-related conditions. This sequence change replaces valine with isoleucine at codon 1173 of the FANCM protein (p.Val1173Ile). The valine residue is weakly conserved and there is a small physicochemical difference between valine and isoleucine. This variant is not present in population databases (ExAC no frequency).